The following is an entry in ClinVar:

NM_002224.4(ITPR3):c.1588G>T (p.Gly530Trp)

Gene: ITPR3 (inositol 1,4,5-trisphosphate receptor type 3; plus strand). Cytogenetic location: 6p21.31.
Variant type: single nucleotide variant.
Coding change: c.1588G>T on transcript NM_002224.4 (MANE Select); coding-DNA position 1588, G replaced by T.
Protein change: p.Gly530Trp; replaces glycine 530 with tryptophan.
Molecular consequence: missense variant.
Genome position (GRCh38, 1-based): chr6:33,667,165, G>T. VCF-style: chr6-33667165-G-T. GRCh37 (hg19) VCF-style: chr6-33634942-G-T.
Other names: short protein forms G530W.
Identifiers: ClinVar variation 5020530 (VCV005020530.1).

ClinVar aggregate classification (germline): Uncertain significance (1 of 4 stars; one submission).

Submission:

Dasa
Classification: Uncertain significance. Last evaluated: 2026-05-20. Review status: criteria provided, single submitter. Criteria: DASA Assertion Criteria. Collection method: clinical testing. Allele origin: germline.
Comment: NM_002224.4(ITPR3):c.1588G>T (p.Gly530Trp) is a missense variant that results in the substitution of glycine with tryptophan. This variant is rare in population databases. Computational prediction algorithms are consistent with a deleterious effect. The currently available literature and clinical evidence are not sufficient to establish a definitive association between this variant and the reported condition. Therefore, this variant is classified as a variant of uncertain significance.